The following is an entry in ClinVar:

NM_000088.4(COL1A1):c.1247del (p.Gly416fs)

Gene: COL1A1 (collagen type I alpha 1 chain; minus strand). Cytogenetic location: 17q21.33.
Variant type: Deletion.
Coding change: c.1247del on transcript NM_000088.4 (MANE Select); coding-DNA position 1247, one base deleted (G; older notation c.1247delG).
Protein change: p.Gly416fs; shifts the reading frame from glycine 416.
Molecular consequence: frameshift variant.
Genome position (GRCh38, 1-based): chr17:50,195,284, C deleted on the plus strand (G on the coding strand, the reverse complement: COL1A1 is on the minus strand); the first of 2 consecutive C bases (chr17:50,195,284-50,195,285); deleting either gives the same sequence. VCF-style (leftmost placement, unchanged base first): chr17-50195283-GC-G. GRCh37 (hg19) VCF-style: chr17-48272644-GC-G.
Other names: c.1247delG (NM_000088.3); short protein forms G416fs.
Identifiers: ClinVar variation 456731 (VCV000456731.7), dbSNP rs1555574071, ClinGen allele CA658656713.

ClinVar aggregate classification (germline): Pathogenic (1 of 4 stars; one submission).

Conditions:
Osteogenesis imperfecta type I (OI1). Also called: OI, TYPE I; OSTEOGENESIS IMPERFECTA TARDA; OSTEOGENESIS IMPERFECTA WITH BLUE SCLERAE; Osteogenesis imperfecta type 1; Lobstein's Disease; Lobstein disease. Identifiers: Orphanet 216796, Orphanet 666, MedGen C0023931, MONDO:0008146, OMIM 166200. Disease mechanism: loss of function.

Submission:

Labcorp Genetics (formerly Invitae), Labcorp
Classification: Pathogenic for Osteogenesis imperfecta type I. Last evaluated: 2016-12-29. Review status: criteria provided, single submitter. Criteria: Invitae Variant Classification Sherloc (09022015). Collection method: clinical testing. Allele origin: germline.
Comment: For these reasons, this variant has been classified as Pathogenic. While this particular variant has not been reported in the literature, loss-of-function variants in COL1A1 are known to be pathogenic (PMID: 9443882, 9295084, 7942841). This sequence change deletes 1 nucleotide from exon 19 of the COL1A1 mRNA (c.1247delG), causing a frameshift at codon 416. This creates a premature translational stop signal (p.Gly416Alafs*125) and is expected to result in an absent or disrupted protein product.

Literature cited by the submitters: PubMed 9443882; PubMed 9295084; PubMed 7942841.